The following is an entry in ClinVar:

NM_020461.4(TUBGCP6):c.1287C>G (p.Phe429Leu)

Gene: TUBGCP6 (tubulin gamma complex component 6; minus strand). Cytogenetic location: 22q13.33.
Variant type: single nucleotide variant.
Coding change: c.1287C>G on transcript NM_020461.4 (MANE Select); coding-DNA position 1287, C replaced by G.
Protein change: p.Phe429Leu; replaces phenylalanine 429 with leucine.
Molecular consequence: missense variant.
Genome position (GRCh38, 1-based): chr22:50,229,407, G>C on the plus strand (C>G on the coding strand, the complement: TUBGCP6 is on the minus strand). VCF-style: chr22-50229407-G-C. GRCh37 (hg19) VCF-style: chr22-50667836-G-C.
Other names: short protein forms F429L.
Identifiers: ClinVar variation 1063056 (VCV001063056.7), dbSNP rs199690816, ClinGen allele CA10308761.

ClinVar aggregate classification (germline): Uncertain significance. Review status: criteria provided, multiple submitters, no conflicts (2 of 4 stars). 2 submissions from 2 submitters: Uncertain significance (2). Last evaluated 2025-05-19.

Allele frequency attached by ClinVar (database versions not stated): TOPMed 0.00005; gnomAD 0.00006 and 0.00007; ESP Exome Variant Server 0.00008; gnomAD exomes 0.00008 and 0.00012; ExAC 0.00011; 1000 Genomes Project 30x 0.00016; 1000 Genomes Project 0.00020.
gnomAD v4.1: 179 of 1,613,380 alleles (0.011%); highest among the groups gnomAD compares: Middle Eastern, 0.017%; no homozygotes.

Submissions (2):

Women's Health and Genetics/Laboratory Corporation of America, LabCorp
Classification: Uncertain significance. Last evaluated: 2025-05-19. Review status: criteria provided, single submitter. Criteria: LabCorp Variant Classification Summary - May 2015. Collection method: clinical testing. Allele origin: germline.
Comment: Variant summary: TUBGCP6 c.1287C>G (p.Phe429Leu) results in a non-conservative amino acid change in the encoded protein sequence. Algorithms developed to predict the effect of missense changes on protein structure and function are either unavailable or do not agree on the potential impact of this missense change. The variant allele was found at a frequency of 8e-05 in 249646 control chromosomes. This frequency is not significantly higher than estimated for a pathogenic variant in TUBGCP6 causing Microcephaly And Chorioretinopathy 1, allowing no conclusion about variant significance. To our knowledge, no occurrence of c.1287C>G in individuals affected with Microcephaly And Chorioretinopathy 1 and no experimental evidence demonstrating its impact on protein function have been reported. ClinVar contains an entry for this variant (Variation ID: 1063056). Based on the evidence outlined above, the variant was classified as uncertain significance.

Labcorp Genetics (formerly Invitae), Labcorp
Classification: Uncertain significance. Last evaluated: 2022-10-07. Review status: criteria provided, single submitter. Criteria: Invitae Variant Classification Sherloc (09022015). Collection method: clinical testing. Allele origin: germline.
Comment: This sequence change replaces phenylalanine, which is neutral and non-polar, with leucine, which is neutral and non-polar, at codon 429 of the TUBGCP6 protein (p.Phe429Leu). This variant is present in population databases (rs199690816, gnomAD 0.02%). This variant has not been reported in the literature in individuals affected with TUBGCP6-related conditions. ClinVar contains an entry for this variant (Variation ID: 1063056). Algorithms developed to predict the effect of missense changes on protein structure and function are either unavailable or do not agree on the potential impact of this missense change (SIFT: "Tolerated"; PolyPhen-2: "Probably Damaging"; Align-GVGD: "Class C0"). In summary, the available evidence is currently insufficient to determine the role of this variant in disease. Therefore, it has been classified as a Variant of Uncertain Significance.